The following is an entry in ClinVar:

NM_002890.3(RASA1):c.3141_*50dup (p.Arg1047_Ter1048=)

Genes: CCNH (cyclin H; minus strand), RASA1 (RAS p21 protein activator 1; plus strand). Cytogenetic location: 5q14.3.
Variant type: Duplication.
Coding change: c.3141_*50dup on transcript NM_002890.3 (MANE Select); coding-DNA position 3141 through 50 bases downstream of the stop codon, 54 bases duplicated.
Protein change: p.Arg1047_Ter1048=.
Molecular consequence: no sequence alteration. On other transcripts: 3 prime UTR variant (2), non-coding transcript variant (1), intron variant (1).
Genome position (GRCh38, 1-based): chr5:87,390,880-87,390,933, 54 bases duplicated. GRCh37 (hg19): chr5:86,686,697-86,686,750.
Other names: c.2610_*50dup, p.Arg870_Ter871= (NM_022650.3); c.*1927_*1980dup (NM_001363539.2, NM_001364076.2); c.933+4111_933+4164dup (NM_001364075.2).
Identifiers: ClinVar variation 2693596 (VCV002693596.3), dbSNP rs2531405237, ClinGen allele CA2697546273.

ClinVar aggregate classification (germline): Uncertain significance (1 of 4 stars; one submission).

Conditions:
Capillary malformation-arteriovenous malformation syndrome. Also called: Capillary malformation-arteriovenous malformation. Identifiers: Orphanet 137667, MedGen C1842180, MONDO:0012016.

Submission:

Labcorp Genetics (formerly Invitae), Labcorp
Classification: Uncertain significance for Capillary malformation-arteriovenous malformation syndrome. Last evaluated: 2023-11-06. Review status: criteria provided, single submitter. Criteria: Invitae Variant Classification Sherloc (09022015). Collection method: clinical testing. Allele origin: germline.
Comment: This variant occurs in a non-coding region of the RASA1 gene. It does not change the encoded amino acid sequence of the RASA1 protein. This variant is not present in population databases (gnomAD no frequency). This variant has not been reported in the literature in individuals affected with RASA1-related conditions. Experimental studies and prediction algorithms are not available or were not evaluated, and the functional significance of this variant is currently unknown. In summary, the available evidence is currently insufficient to determine the role of this variant in disease. Therefore, it has been classified as a Variant of Uncertain Significance.